The following is an entry in ClinVar:

ClinVar aggregate classification (germline): Uncertain significance (1 of 4 stars; one submission).

Submission:

GeneDx
Classification: Uncertain significance. Last evaluated: 2023-12-18. Review status: criteria provided, single submitter. Criteria: GeneDx Variant Classification Process June 2021. Collection method: clinical testing. Allele origin: germline. Affected: yes.
Comment: Not observed at significant frequency in large population cohorts (gnomAD); In silico analysis supports that this missense variant has a deleterious effect on protein structure/function; Has not been previously published as pathogenic or benign to our knowledge

NM_014516.4(CNOT3):c.407A>G (p.Asn136Ser)

Gene: CNOT3 (CCR4-NOT transcription complex subunit 3; plus strand). Cytogenetic location: 19q13.42.
Variant type: single nucleotide variant.
Coding change: c.407A>G on transcript NM_014516.4 (MANE Select); coding-DNA position 407, A replaced by G.
Protein change: p.Asn136Ser; replaces asparagine 136 with serine.
Molecular consequence: missense variant.
Genome position (GRCh38, 1-based): chr19:54,144,256, A>G. VCF-style: chr19-54144256-A-G. GRCh37 (hg19) VCF-style: chr19-54647992-A-G.
Other names: short protein forms N136S.
Identifiers: ClinVar variation 3369981 (VCV003369981.1).